The following is an entry in ClinVar:

NM_001371986.1(UNC80):c.2248G>A (p.Gly750Arg)

Gene: UNC80 (unc-80 homolog, NALCN channel complex subunit; plus strand). Cytogenetic location: 2q34.
Variant type: single nucleotide variant.
Coding change: c.2248G>A on transcript NM_001371986.1 (MANE Select); coding-DNA position 2248, G replaced by A.
Protein change: p.Gly750Arg; replaces glycine 750 with arginine.
Molecular consequence: missense variant.
Genome position (GRCh38, 1-based): chr2:209,820,596, G>A. VCF-style: chr2-209820596-G-A. GRCh37 (hg19) VCF-style: chr2-210685320-G-A.
Other names: c.2248G>A, p.Gly750Arg (NM_032504.2, NM_182587.4); short protein forms G750R.
Identifiers: ClinVar variation 1485394 (VCV001485394.3), dbSNP rs1574592392, ClinGen allele CA350136974.

ClinVar aggregate classification (germline): Uncertain significance (1 of 4 stars; one submission).

Allele frequency attached by ClinVar (database versions not stated): TOPMed below 0.00001.

Submission:

Labcorp Genetics (formerly Invitae), Labcorp
Classification: Uncertain significance. Last evaluated: 2021-10-29. Review status: criteria provided, single submitter. Criteria: Invitae Variant Classification Sherloc (09022015). Collection method: clinical testing. Allele origin: germline.
Comment: This sequence change replaces glycine, which is neutral and non-polar, with arginine, which is basic and polar, at codon 750 of the UNC80 protein (p.Gly750Arg). This variant is not present in population databases (gnomAD no frequency). This variant has not been reported in the literature in individuals affected with UNC80-related conditions. Algorithms developed to predict the effect of missense changes on protein structure and function are either unavailable or do not agree on the potential impact of this missense change (SIFT: "Not Available"; PolyPhen-2: "Possibly Damaging"; Align-GVGD: "Not Available"). In summary, the available evidence is currently insufficient to determine the role of this variant in disease. Therefore, it has been classified as a Variant of Uncertain Significance.